The following is an entry in ClinVar:

NM_000243.3(MEFV):c.2123G>A (p.Arg708His)

Genes: MEFV (MEFV innate immunity regulator, pyrin; minus strand), LOC126862264 (CDK7 strongly-dependent group 2 enhancer GRCh37_chr16:3293322-3294521; plus strand). Cytogenetic location: 16p13.3.
Variant type: single nucleotide variant.
Coding change: c.2123G>A on transcript NM_000243.3 (MANE Select); coding-DNA position 2123, G replaced by A.
Protein change: p.Arg708His; replaces arginine 708 with histidine.
Molecular consequence: missense variant. On other transcripts: 3 prime UTR variant (1).
Genome position (GRCh38, 1-based): chr16:3,243,364, C>T on the plus strand (G>A on the coding strand, the complement: MEFV is on the minus strand). VCF-style: chr16-3243364-C-T. GRCh37 (hg19) VCF-style: chr16-3293364-C-T.
Other names: c.*327G>A (NM_001198536.2); short protein forms R708H.
Identifiers: ClinVar variation 649340 (VCV000649340.10), dbSNP rs200375017, ClinGen allele CA276955088.

ClinVar aggregate classification (germline): Conflicting classifications of pathogenicity. Review status: criteria provided, conflicting classifications (1 of 4 stars). 7 submissions from 5 submitters: Uncertain significance (4); Likely benign (2). 1 of the submissions does not count toward it. Last evaluated 2023-11-30.

Conditions:
Acute febrile neutrophilic dermatosis (AFND). Also called: Sweet Syndrome; Gomm Button disease. Identifiers: Orphanet 3243, MedGen C0085077, MONDO:0011959, OMIM 608068.
Familial Mediterranean fever (FMF). Also called: POLYSEROSITIS, FAMILIAL PAROXYSMAL; POLYSEROSITIS, RECURRENT; Periodic peritonitis; Benign paroxysmal peritonitis. Identifiers: Orphanet 342, MedGen C0031069, MONDO:0018088, OMIM 249100. Disease mechanism: gain of function.
Familial Mediterranean fever, autosomal dominant. Also called: Dominant Familial Mediterranean Fever; FMF, AUTOSOMAL DOMINANT. Identifiers: Orphanet 342, MedGen C1851347, MONDO:0007601, OMIM 134610.

Allele frequency attached by ClinVar (database versions not stated): gnomAD 0.00003 and 0.00004; 1000 Genomes Project 0.00020; TOPMed 0.00004; 1000 Genomes Project 30x 0.00016.
gnomAD v4.1: 40 of 1,614,136 alleles (0.0025%); highest among the groups gnomAD compares: East Asian, 0.0045%; no homozygotes.

Submissions (7):

Women's Health and Genetics/Laboratory Corporation of America, LabCorp
Classification: Uncertain significance. Last evaluated: 2023-11-30. Review status: criteria provided, single submitter. Criteria: LabCorp Variant Classification Summary - May 2015. Collection method: clinical testing. Allele origin: germline.
Comment: Variant summary: MEFV c.2123G>A (p.Arg708His) results in a non-conservative amino acid change located in the B30.2/SPRY domain (IPR001870) of the encoded protein sequence. Four of five in-silico tools predict a benign effect of the variant on protein function. The variant allele was found at a frequency of 1.6e-05 in 251486 control chromosomes. The available data on variant occurrences in the general population are insufficient to allow any conclusion about variant significance. To our knowledge, no occurrence of c.2123G>A in individuals affected with Familial Mediterranean Fever and no experimental evidence demonstrating its impact on protein function have been reported. Five submitters have cited clinical-significance assessments for this variant to ClinVar after 2014, classifying the variant as uncertain significance (n=4) or likely benign (n=1). Based on the evidence outlined above, the variant was classified as uncertain significance.

Genome-Nilou Lab
Classification: Uncertain significance for Familial Mediterranean fever. Last evaluated: 2023-02-08. Review status: criteria provided, single submitter. Criteria: ACMG Guidelines, 2015. Collection method: clinical testing. Allele origin: germline.

Genome-Nilou Lab
Classification: Likely benign for Familial Mediterranean fever, autosomal dominant. Last evaluated: 2023-02-08. Review status: criteria provided, single submitter. Criteria: ACMG Guidelines, 2015. Collection method: clinical testing. Allele origin: germline.

Genome-Nilou Lab
Classification: Likely benign for Acute febrile neutrophilic dermatosis. Last evaluated: 2023-02-08. Review status: criteria provided, single submitter. Criteria: ACMG Guidelines, 2015. Collection method: clinical testing. Allele origin: germline.

Fulgent Genetics
Classification: Uncertain significance for Familial Mediterranean fever, autosomal dominant; Familial Mediterranean fever; Acute febrile neutrophilic dermatosis. Last evaluated: 2021-12-29. Review status: criteria provided, single submitter. Criteria: ACMG Guidelines, 2015. Collection method: clinical testing. Allele origin: unknown.

Labcorp Genetics (formerly Invitae), Labcorp
Classification: Uncertain significance for Familial Mediterranean fever. Last evaluated: 2021-08-28. Review status: criteria provided, single submitter. Criteria: Invitae Variant Classification Sherloc (09022015). Collection method: clinical testing. Allele origin: germline.
Comment: This sequence change replaces arginine with histidine at codon 708 of the MEFV protein (p.Arg708His). The arginine residue is weakly conserved and there is a small physicochemical difference between arginine and histidine. This variant is not present in population databases (ExAC no frequency). This variant has not been reported in the literature in individuals affected with MEFV-related conditions. ClinVar contains an entry for this variant (Variation ID: 649340). Algorithms developed to predict the effect of missense changes on protein structure and function output the following: SIFT: "Tolerated"; PolyPhen-2: "Benign"; Align-GVGD: "Class C0". The histidine amino acid residue is found in multiple mammalian species, which suggests that this missense change does not adversely affect protein function. In summary, the available evidence is currently insufficient to determine the role of this variant in disease. Therefore, it has been classified as a Variant of Uncertain Significance.

Natera, Inc.
Classification: Uncertain significance for Autosomal dominant familial Mediterranean fever. Last evaluated: 2020-06-10. Review status: no assertion criteria provided. Collection method: clinical testing. Allele origin: germline. Not counted in ClinVar's aggregate classification.